The following is an entry in ClinVar:

ClinVar aggregate classification (germline): Uncertain significance. Review status: criteria provided, multiple submitters, no conflicts (2 of 4 stars). 4 submissions from 4 submitters: Uncertain significance (4). Last evaluated 2025-06-22.

Conditions:
Cone-rod dystrophy 10 (CORD10). Identifiers: Orphanet 1872, MedGen C1846529, MONDO:0012464, OMIM 610283.
Retinitis pigmentosa 35 (RP35). Identifiers: Orphanet 791, MedGen C1853214, MONDO:0012463, OMIM 610282.

Allele frequency attached by ClinVar (database versions not stated): gnomAD 0.00001; TOPMed 0.00001; gnomAD exomes 0.00002 and 0.00005; ExAC 0.00007.
gnomAD v4.1: 43 of 1,610,698 alleles (0.0027%); highest among the groups gnomAD compares: South Asian, 0.024%; no homozygotes.

Submissions (4):

Labcorp Genetics (formerly Invitae), Labcorp
Classification: Uncertain significance. Last evaluated: 2025-06-22. Review status: criteria provided, single submitter. Criteria: Invitae Variant Classification Sherloc (09022015). Collection method: clinical testing. Allele origin: germline.
Comment: This sequence change replaces arginine, which is basic and polar, with tryptophan, which is neutral and slightly polar, at codon 557 of the SEMA4A protein (p.Arg557Trp). This variant is present in population databases (rs780337679, gnomAD 0.03%). This variant has not been reported in the literature in individuals affected with SEMA4A-related conditions. ClinVar contains an entry for this variant (Variation ID: 1467182). An algorithm developed to predict the effect of missense changes on protein structure and function (PolyPhen-2) suggests that this variant is likely to be disruptive. In summary, the available evidence is currently insufficient to determine the role of this variant in disease. Therefore, it has been classified as a Variant of Uncertain Significance.

Department of Pathology and Laboratory Medicine, Sinai Health System
Classification: Uncertain significance for Retinitis pigmentosa 35; Cone-rod dystrophy 10. Last evaluated: 2022-12-15. Review status: criteria provided, single submitter. Criteria: ACMG Guidelines, 2015. Collection method: research. Allele origin: germline.

Blueprint Genetics
Classification: Uncertain significance. Last evaluated: 2021-11-24. Review status: criteria provided, single submitter. Criteria: ACMG Guidelines, 2015. Collection method: clinical testing. Allele origin: germline.

Breakthrough Genomics
Classification: Uncertain significance. Review status: criteria provided, single submitter. Criteria: ACMG Guidelines, 2015. Collection method: not provided. Allele origin: germline. Inheritance: Autosomal recessive inheritance. Affected: yes.

NM_022367.4(SEMA4A):c.1669C>T (p.Arg557Trp)

Gene: SEMA4A (semaphorin 4A; plus strand). Cytogenetic location: 1q22.
Variant type: single nucleotide variant.
Coding change: c.1669C>T on transcript NM_022367.4 (MANE Select); coding-DNA position 1669, C replaced by T.
Protein change: p.Arg557Trp; replaces arginine 557 with tryptophan.
Molecular consequence: missense variant.
Genome position (GRCh38, 1-based): chr1:156,175,632, C>T. VCF-style: chr1-156175632-C-T. GRCh37 (hg19) VCF-style: chr1-156145423-C-T.
Other names: c.1669C>T, p.Arg557Trp (NM_001193300.2, NM_001193301.2, NM_001370567.1); c.1273C>T, p.Arg425Trp (NM_001193302.2); c.1372C>T, p.Arg458Trp (NM_001370568.1); c.1162C>T, p.Arg388Trp (NM_001370569.1, NM_001370571.1); short protein forms R425W, R557W, R388W, R458W.
Identifiers: ClinVar variation 1467182 (VCV001467182.11), dbSNP rs780337679, ClinGen allele CA1155430.